The following is an entry in ClinVar:

NM_007373.4(SHOC2):c.-1C>T

Gene: SHOC2 (SHOC2 leucine rich repeat scaffold protein; plus strand). Cytogenetic location: 10q25.2.
Variant type: single nucleotide variant.
Coding change: c.-1C>T on transcript NM_007373.4 (MANE Select); 1 bases upstream of the start codon, C replaced by T.
Molecular consequence: 5 prime UTR variant.
Genome position (GRCh38, 1-based): chr10:110,964,358, C>T. VCF-style: chr10-110964358-C-T. GRCh37 (hg19) VCF-style: chr10-112724116-C-T.
Other names: NM_007373.3(SHOC2):c.-1C>T; c.-1C>T (NM_001269039.3, NM_001324336.2, NM_001324337.2).
Identifiers: ClinVar variation 40634 (VCV000040634.11), dbSNP rs398124252, ClinGen allele CA223027.

ClinVar aggregate classification (germline): Uncertain significance. Review status: reviewed by expert panel (3 of 4 stars). 5 submissions from 5 submitters: Uncertain significance (1). 4 of the submissions do not count toward it. Last evaluated 2024-09-17.

Conditions:
Cardiovascular phenotype. Identifiers: MedGen CN230736.
RASopathy. Also called: rasopathies; Noonan spectrum disorder. Identifiers: Orphanet 536391, MedGen C5555857, MONDO:0021060.
Noonan syndrome-like disorder with loose anagen hair 1 (NSLH1). Also called: TOSTI SYNDROME; MAZZANTI SYNDROME. Identifiers: Orphanet 2701, MedGen C4478716, MONDO:0054637, OMIM 607721.

Allele frequency attached by ClinVar (database versions not stated): ExAC 0.00001; gnomAD exomes 0.00003.

Submissions (5):

ClinGen RASopathy Variant Curation Expert Panel
Classification: Uncertain significance for RASopathy. Last evaluated: 2024-09-17. Review status: reviewed by expert panel. Criteria: ClinGen RASopathy ACMG Specifications SHOC2 V2.1.0. Collection method: curation. Allele origin: germline. Inheritance: Autosomal dominant inheritance.
Comment: The c.-1C>T variant in the SHOC2 gene is an intronic variant located in the 5' UTR, 1 base upstream from the first translated codon. The highest population minor allele frequency in gnomAD v4.1.0 is 0.01172% (7/59740 alleles) in the Latino/Admixed American population. (PM2_Supporting/BS1/BA1 are not met). This variant has been identified in 2 independent occurrences in patients with a clinical features of a RASopathy (PS4 not met; GeneDx, EGL internal data GTR Lab ID's: 26957, 500060; ClinVar SCV000209050.9, SCV000113449.7). In summary, this variant meets criteria to be classified as variant of uncertain significance for autosomal dominant RASopathies based on the ACMG/AMP criteria applied, as specified by the ClinGen RASopathy Variant Curation Expert Panel: None (Specification Version 2.1, 09/17/2024)

Clinical Genomics Laboratory, Washington University in St. Louis
Classification: Uncertain significance for Noonan syndrome-like disorder with loose anagen hair 1. Last evaluated: 2026-01-08. Review status: criteria provided, single submitter. Criteria: ACMG Guidelines, 2015. Collection method: clinical testing. Allele origin: germline. Not counted in ClinVar's aggregate classification.
Comment: A SHOC2 c.-1C>T intronic variant located in the 5' UTR, one base upstream from the methionine intiation codon, was identified at a near heterozygous allelic fraction of 48.7%, a frequency which may be consistent with germline origin. This variant, to our knowledge, has not been reported in the medical literature but has been reported in the ClinVar database as a germline variant of uncertain significance by four submitters, including an expert panel (ClinVar Variation ID: 40634). It is observed in 7/1,612,784 alleles in the general population (gnomAD v4.1.0), indicating it is not a common variant, however, this variant was only identified in exome samples where it failed quality filters and was not present in genome samples. Due to limited information, and based on ACMG/AMP guidelines for variant interpretation (Richards S et al., PMID: 25741868) and the ClinGen RASopathy variant curation expert panel, the clinical significance of this variant is uncertain at this time.

Ambry Genetics
Classification: Uncertain significance for Cardiovascular phenotype. Last evaluated: 2020-09-23. Review status: criteria provided, single submitter. Criteria: Ambry Variant Classification Scheme 2023. Collection method: clinical testing. Allele origin: germline. Not counted in ClinVar's aggregate classification.
Comment: The c.-1C>T variant is located in the 5' untranslated region (5&rsquo; UTR) of the SHOC2 gene. This variant results from a C to T substitution 1 bases upstream from the first translated codon. This nucleotide position is highly conserved in available vertebrate species. Since supporting evidence is limited at this time, the clinical significance of this alteration remains unclear.

Eurofins Ntd Llc (ga)
Classification: Uncertain significance. Last evaluated: 2013-05-03. Review status: criteria provided, single submitter. Criteria: EGL Classification Definitions 2015. Collection method: clinical testing. Allele origin: germline. Observed: 1 variant allele, 1 heterozygote. Not counted in ClinVar's aggregate classification.

GeneDx
Classification: Uncertain significance. Last evaluated: 2012-03-07. Review status: criteria provided, single submitter. Criteria: GeneDx Variant Classification (06012015). Collection method: clinical testing. Allele origin: germline. Affected: yes. Not counted in ClinVar's aggregate classification.
Comment: The c.-1 C>T variant in the SHOC2 gene is located 1 nucleotide before the ATG translation start signal. This nucleotide position is conserved across species and substitution of this nucleotide may disrupt the Kozak sequence. The NHLBI ESP Exome Variant Server reports that the c.-1 C>T substitution was not observed in approximately 5000 samples from individuals of European and African American backgrounds, indicating it is not a common benign variant in these populations. It is unknown if the c.-1 C>T variant would have a deleterious affect, but to date, haploinsufficiency is not a reported mechanism for SHOC2- related disorders. The variant is found in NOONAN panel(s).